The following is an entry in ClinVar:

NM_003482.4(KMT2D):c.4131+6A>G

Gene: KMT2D (lysine methyltransferase 2D; minus strand). Cytogenetic location: 12q13.12.
Variant type: single nucleotide variant.
Coding change: c.4131+6A>G on transcript NM_003482.4 (MANE Select); 6 bases into the intron after coding-DNA position 4131, A replaced by G.
Molecular consequence: intron variant.
Genome position (GRCh38, 1-based): chr12:49,048,653, T>C on the plus strand (A>G on the coding strand, the complement: KMT2D is on the minus strand). VCF-style: chr12-49048653-T-C. GRCh37 (hg19) VCF-style: chr12-49442436-T-C.
Identifiers: ClinVar variation 2066232 (VCV002066232.4), dbSNP rs1340508021, ClinGen allele CA689543459.

ClinVar aggregate classification (germline): Uncertain significance (1 of 4 stars; one submission).

Conditions:
Kabuki syndrome. Also called: NIIKAWA-KUROKI SYNDROME; Kabuki make-up syndrome. Identifiers: Orphanet 2322, MedGen C0796004, MONDO:0016512.

Allele frequency attached by ClinVar (database versions not stated): TOPMed below 0.00001; gnomAD exomes 0.00001.
gnomAD v4.1: 7 of 1,578,638 alleles (0.00044%); highest among the groups gnomAD compares: Non-Finnish European, 0.00061%; no homozygotes.

Submission:

Labcorp Genetics (formerly Invitae), Labcorp
Classification: Uncertain significance for Kabuki syndrome. Last evaluated: 2022-10-13. Review status: criteria provided, single submitter. Criteria: Invitae Variant Classification Sherloc (09022015). Collection method: clinical testing. Allele origin: germline.
Comment: This sequence change falls in intron 13 of the KMT2D gene. It does not directly change the encoded amino acid sequence of the KMT2D protein. It affects a nucleotide within the consensus splice site. This variant is not present in population databases (gnomAD no frequency). This variant has not been reported in the literature in individuals affected with KMT2D-related conditions. Variants that disrupt the consensus splice site are a relatively common cause of aberrant splicing (PMID: 17576681, 9536098). Algorithms developed to predict the effect of sequence changes on RNA splicing suggest that this variant is not likely to affect RNA splicing. In summary, the available evidence is currently insufficient to determine the role of this variant in disease. Therefore, it has been classified as a Variant of Uncertain Significance.

Literature cited by the submitters: PubMed 17576681; PubMed 9536098.